The following is an entry in ClinVar:

NM_004807.3(HS6ST1):c.1213A>G (p.Ser405Gly)

Gene: HS6ST1 (heparan sulfate 6-O-sulfotransferase 1; minus strand). Cytogenetic location: 2q14.3.
Variant type: single nucleotide variant.
Coding change: c.1213A>G on transcript NM_004807.3 (MANE Select); coding-DNA position 1213, A replaced by G.
Protein change: p.Ser405Gly; replaces serine 405 with glycine.
Molecular consequence: missense variant.
Genome position (GRCh38, 1-based): chr2:128,268,185, T>C on the plus strand (A>G on the coding strand, the complement: HS6ST1 is on the minus strand). VCF-style: chr2-128268185-T-C. GRCh37 (hg19) VCF-style: chr2-129025759-T-C.
Other names: short protein forms S405G.
Identifiers: ClinVar variation 1310216 (VCV001310216.2), dbSNP rs2104908339, ClinGen allele CA348459976.
Genomic context (GRCh38, chr2:128,268,185, plus strand): 5'-CACCCCCCAAGAGGCCTCCCCGTGGCCACCACCGCCACTACCACTTCTCAATGATGTGGC[T>C]CATGTAGTCCTCGGTGGGCACGCGGCCCGGCTCGTCGGCATCCTCCCGCGGCAGTGCCTC-3'
Protein context (NP_004798.3, residues 395-411): PGRVPTEDYM[Ser405Gly]HIIEKW

ClinVar aggregate classification (germline): Uncertain significance (1 of 4 stars; one submission).

Allele frequency attached by ClinVar (database versions not stated): gnomAD exomes below 0.00001.
gnomAD v4.1: 3 of 1,609,986 alleles (0.00019%); highest among the groups gnomAD compares: Non-Finnish European, 0.00025%; no homozygotes.

Submission:

GeneDx
Classification: Uncertain significance. Last evaluated: 2021-01-14. Review status: criteria provided, single submitter. Criteria: GeneDx Variant Classification Process June 2021. Collection method: clinical testing. Allele origin: germline. Affected: yes.
Comment: Not observed in large population cohorts (Lek et al., 2016); In silico analysis, which includes protein predictors and evolutionary conservation, supports that this variant does not alter protein structure/function; Has not been previously published as pathogenic or benign to our knowledge